The following is an entry in ClinVar:

NM_012469.4(PRPF6):c.1555G>A (p.Val519Met)

Genes: PRPF6 (pre-mRNA processing factor 6; plus strand), LOC126863090 (P300/CBP strongly-dependent group 1 enhancer GRCh37_chr20:62648052-62649251; plus strand). Cytogenetic location: 20q13.33.
Variant type: single nucleotide variant.
Coding change: c.1555G>A on transcript NM_012469.4 (MANE Select); coding-DNA position 1555, G replaced by A.
Protein change: p.Val519Met; replaces valine 519 with methionine.
Molecular consequence: missense variant.
Genome position (GRCh38, 1-based): chr20:64,016,753, G>A. VCF-style: chr20-64016753-G-A. GRCh37 (hg19) VCF-style: chr20-62648106-G-A.
Other names: short protein forms V519M.
Identifiers: ClinVar variation 1522538 (VCV001522538.6), dbSNP rs1220149274, ClinGen allele CA409729429.

ClinVar aggregate classification (germline): Uncertain significance (1 of 4 stars; one submission).

Allele frequency attached by ClinVar (database versions not stated): gnomAD 0.00001; TOPMed 0.00001.
gnomAD v4.1: 1 of 1,613,994 alleles (0.000062%); highest among the groups gnomAD compares: Admixed American, 0.0017%; no homozygotes.

Submission:

Labcorp Genetics (formerly Invitae), Labcorp
Classification: Uncertain significance. Last evaluated: 2022-11-22. Review status: criteria provided, single submitter. Criteria: Invitae Variant Classification Sherloc (09022015). Collection method: clinical testing. Allele origin: germline.
Comment: In summary, the available evidence is currently insufficient to determine the role of this variant in disease. Therefore, it has been classified as a Variant of Uncertain Significance. Advanced modeling of protein sequence and biophysical properties (such as structural, functional, and spatial information, amino acid conservation, physicochemical variation, residue mobility, and thermodynamic stability) performed at Invitae indicates that this missense variant is not expected to disrupt PRPF6 protein function. ClinVar contains an entry for this variant (Variation ID: 1522538). This variant has not been reported in the literature in individuals affected with PRPF6-related conditions. This variant is not present in population databases (gnomAD no frequency). This sequence change replaces valine, which is neutral and non-polar, with methionine, which is neutral and non-polar, at codon 519 of the PRPF6 protein (p.Val519Met).